The following is an entry in ClinVar:

NM_006206.6(PDGFRA):c.1869A>G (p.Lys623=)

Gene: PDGFRA (platelet derived growth factor receptor alpha; plus strand). Cytogenetic location: 4q12.
Variant type: single nucleotide variant.
Coding change: c.1869A>G on transcript NM_006206.6 (MANE Select); coding-DNA position 1869, A replaced by G.
Protein change: p.Lys623=; no amino-acid change (lysine 623 retained).
Molecular consequence: synonymous variant.
Genome position (GRCh38, 1-based): chr4:54,277,470, A>G. VCF-style: chr4-54277470-A-G. GRCh37 (hg19) VCF-style: chr4-55143637-A-G.
Other names: c.1869A>G, p.Lys623= (NM_001347827.2, NM_001347829.2); c.1944A>G, p.Lys648= (NM_001347828.2); c.1908A>G, p.Lys636= (NM_001347830.2).
Identifiers: ClinVar variation 582557 (VCV000582557.13), dbSNP rs1328605799, ClinGen allele CA439287301.

ClinVar aggregate classification (germline): Benign/Likely benign. Review status: criteria provided, multiple submitters, no conflicts (2 of 4 stars). 3 submissions from 3 submitters: Benign (1); Likely benign (2). Last evaluated 2026-06-17.

Conditions:
Gastrointestinal stromal tumor. Also called: Gastrointestinal stromal tumor, somatic; Gastrointestinal stroma tumor. Identifiers: Orphanet 44890, MedGen C0238198, MeSH D046152, MONDO:0011719, OMIM 606764, HP:0100723.
Polyps, multiple and recurrent inflammatory fibroid, gastrointestinal. Identifiers: MedGen C5193005, MONDO:0008285, OMIM 175510.
Hereditary cancer-predisposing syndrome. Also called: Hereditary Cancer Syndrome; Tumor predisposition; Neoplastic Syndromes, Hereditary; Hereditary neoplastic syndrome. Identifiers: Orphanet 140162, MedGen C0027672, MeSH D009386, MONDO:0015356.

Allele frequency attached by ClinVar (database versions not stated): TOPMed below 0.00001; gnomAD 0.00001.
gnomAD v4.1: 1 of 1,613,426 alleles (0.000062%); highest among the groups gnomAD compares: African/African-American, 0.0013%; no homozygotes.

Submissions (3):

Myriad Genetics, Inc.
Classification: Benign for Polyps, multiple and recurrent inflammatory fibroid, gastrointestinal. Last evaluated: 2026-06-17. Review status: criteria provided, single submitter. Criteria: Myriad Autosomal Dominant, Autosomal Recessive and X-Linked Classification Criteria (2023). Collection method: clinical testing. Allele origin: unknown.
Comment: This variant is considered benign. This variant is a silent/synonymous amino acid change and it is not expected to impact splicing.

Ambry Genetics
Classification: Likely benign for Hereditary cancer-predisposing syndrome. Last evaluated: 2024-06-15. Review status: criteria provided, single submitter. Criteria: Ambry Variant Classification Scheme 2023. Collection method: clinical testing. Allele origin: germline.

Labcorp Genetics (formerly Invitae), Labcorp
Classification: Likely benign for Gastrointestinal stromal tumor. Last evaluated: 2024-02-23. Review status: criteria provided, single submitter. Criteria: Invitae Variant Classification Sherloc (09022015). Collection method: clinical testing. Allele origin: germline.